The following is an entry in ClinVar:

NM_012210.4(TRIM32):c.522C>T (p.Ser174=)

Genes: ASTN2 (astrotactin 2; minus strand), TRIM32 (tripartite motif containing 32; plus strand). Cytogenetic location: 9q33.1.
Variant type: single nucleotide variant.
Coding change: c.522C>T on transcript NM_012210.4 (MANE Select); coding-DNA position 522, C replaced by T.
Protein change: p.Ser174=; no amino-acid change (serine 174 retained).
Molecular consequence: synonymous variant. On other transcripts: intron variant (3).
Genome position (GRCh38, 1-based): chr9:116,698,264, C>T. VCF-style: chr9-116698264-C-T. GRCh37 (hg19) VCF-style: chr9-119460543-C-T.
Other names: c.522C>T, p.Ser174= (NM_001099679.2, NM_001379048.1, NM_001379049.1 and 1 more transcripts); c.2653+27507G>A (NM_014010.5); c.2794+27507G>A (NM_001365069.1); c.2806+27507G>A (NM_001365068.1).
Identifiers: ClinVar variation 3353900 (VCV003353900.1).

ClinVar aggregate classification (germline): Likely benign (0 of 4 stars; one submission).

Conditions:
TRIM32-related disorder. Also called: TRIM32-related condition.

gnomAD v4.1: 7 of 1,614,096 alleles (0.00043%); highest among the groups gnomAD compares: Non-Finnish European, 0.00059%; no homozygotes.

Submission:

PreventionGenetics, part of Exact Sciences
Classification: Likely benign for TRIM32-related condition. Last evaluated: 2022-08-16. Review status: no assertion criteria provided. Collection method: clinical testing. Allele origin: germline.
Comment: This variant is classified as likely benign based on ACMG/AMP sequence variant interpretation guidelines (Richards et al. 2015 PMID: 25741868, with internal and published modifications).